The following is an entry in ClinVar:

NM_001164277.2(SLC37A4):c.1176T>A (p.Ser392Arg)

Gene: SLC37A4 (solute carrier family 37 member 4; minus strand). Cytogenetic location: 11q23.3.
Variant type: single nucleotide variant.
Coding change: c.1176T>A on transcript NM_001164277.2 (MANE Select); coding-DNA position 1176, T replaced by A.
Protein change: p.Ser392Arg; replaces serine 392 with arginine.
Molecular consequence: missense variant.
Genome position (GRCh38, 1-based): chr11:119,025,024, A>T on the plus strand (T>A on the coding strand, the complement: SLC37A4 is on the minus strand). VCF-style: chr11-119025024-A-T. GRCh37 (hg19) VCF-style: chr11-118895734-A-T.
Other names: c.1242T>A, p.Ser414Arg (NM_001164278.2); c.957T>A, p.Ser319Arg (NM_001164279.2); c.1176T>A, p.Ser392Arg (NM_001164280.2, NM_001467.6); short protein forms S392R, S319R, S414R.
Identifiers: ClinVar variation 554828 (VCV000554828.7), dbSNP rs782552989, ClinGen allele CA382894369.

ClinVar aggregate classification (germline): Uncertain significance. Review status: criteria provided, single submitter (1 of 4 stars). 2 submissions from 2 submitters: Uncertain significance (1). 1 of the submissions does not count toward it. Last evaluated 2021-08-27.

Conditions:
Glucose-6-phosphate transport defect (GSD1B). Also called: Glycogen Storage Disease Type Ib; GSD Ib. Identifiers: Orphanet 364, Orphanet 79259, MedGen C0268146, MONDO:0009288, OMIM 232220.

Submissions (2):

Labcorp Genetics (formerly Invitae), Labcorp
Classification: Uncertain significance for Glucose-6-phosphate transport defect. Last evaluated: 2021-08-27. Review status: criteria provided, single submitter. Criteria: Invitae Variant Classification Sherloc (09022015). Collection method: clinical testing. Allele origin: germline.
Comment: In summary, the available evidence is currently insufficient to determine the role of this variant in disease. Therefore, it has been classified as a Variant of Uncertain Significance. Experimental studies and prediction algorithms are not available or were not evaluated, and the functional significance of this variant is currently unknown. ClinVar contains an entry for this variant (Variation ID: 554828). This variant has not been reported in the literature in individuals affected with SLC37A4-related conditions. This variant is not present in population databases (ExAC no frequency). This sequence change replaces serine with arginine at codon 392 of the SLC37A4 protein (p.Ser392Arg). The serine residue is highly conserved and there is a moderate physicochemical difference between serine and arginine.

Counsyl
Classification: Uncertain significance for Glucose-6-phosphate transport defect. Last evaluated: 2017-11-08. Review status: no assertion criteria provided. Collection method: clinical testing. Allele origin: unknown. Not counted in ClinVar's aggregate classification.